The following is an entry in ClinVar:

NM_001042492.3(NF1):c.5521dup (p.Gln1841fs)

Gene: NF1 (neurofibromin 1; plus strand). Cytogenetic location: 17q11.2.
Variant type: Duplication.
Coding change: c.5521dup on transcript NM_001042492.3 (MANE Select); coding-DNA position 5521, one base duplicated (C; older notation c.5521dupC).
Protein change: p.Gln1841fs; shifts the reading frame from glutamine 1841.
Molecular consequence: frameshift variant.
Genome position (GRCh38, 1-based): chr17:31,327,751, C duplicated; the last of 5 consecutive C bases (chr17:31,327,747-31,327,751); duplicating any one gives the same sequence. VCF-style (leftmost placement, unchanged base first): chr17-31327746-T-TC. GRCh37 (hg19) VCF-style: chr17-29654764-T-TC.
Other names: c.5458dup, p.Gln1820Profs (NM_000267.4); short protein forms Q1820fs, Q1841fs.
Identifiers: ClinVar variation 842214 (VCV000842214.6), dbSNP rs2069383586, ClinGen allele CA916080632.
Genomic context (GRCh38, chr17:31,327,746, plus strand): 5'-CCATTGTCCAGTCTATCATTCATATCCGGACCCGCTGGGAACTGTCACAGCCCGACTCTA[T>TC]CCCCCAACACACCAAGATTCGGCCAAAAGATGTCCCTGGGACACTGCTCAATATCGCATT-3'

ClinVar aggregate classification (germline): Pathogenic (1 of 4 stars; one submission).

Conditions:
Neurofibromatosis, type 1 (NF1). Also called: Peripheral type neurofibromatosis; VON RECKLINGHAUSEN DISEASE; Neurofibromatosis, type I; NEUROFIBROMATOSIS, TYPE I, SOMATIC. Identifiers: Orphanet 636, MedGen C0027831, MONDO:0018975, OMIM 162200. Disease mechanism: loss of function.

Submission:

Labcorp Genetics (formerly Invitae), Labcorp
Classification: Pathogenic for Neurofibromatosis, type 1. Last evaluated: 2019-10-14. Review status: criteria provided, single submitter. Criteria: Invitae Variant Classification Sherloc (09022015). Collection method: clinical testing. Allele origin: germline.
Comment: For these reasons, this variant has been classified as Pathogenic. Loss-of-function variants in NF1 are known to be pathogenic (PMID: 10712197, 23913538). This variant has been observed in individuals affected with neurofibromatosis type 1 (PMID: 21362601). This variant is not present in population databases (ExAC no frequency). This sequence change creates a premature translational stop signal (p.Gln1820Profs*21) in the NF1 gene. It is expected to result in an absent or disrupted protein product.

Literature cited by the submitters: PubMed 10712197; PubMed 23913538; PubMed 21362601.